The following is an entry in ClinVar:

ClinVar aggregate classification (germline): Uncertain significance. Review status: criteria provided, multiple submitters, no conflicts (2 of 4 stars). 2 submissions from 2 submitters: Uncertain significance (2). Last evaluated 2022-04-01.

Conditions:
Spastic paraplegia. Identifiers: MedGen C0037772, HP:0001258.
Charlevoix-Saguenay spastic ataxia (SACS). Also called: Spastic ataxia of Charlevoix-Saguenay; SPASTIC ATAXIA 6, AUTOSOMAL RECESSIVE; AUTOSOMAL RECESSIVE SPASTIC ATAXIA OF CHARLEVOIX-SAGUENAY. Identifiers: Orphanet 98, MedGen C1849140, MONDO:0010041, OMIM 270550.

Allele frequency attached by ClinVar (database versions not stated): gnomAD exomes below 0.00001 and 0.00002; ExAC 0.00001; gnomAD 0.00001; TOPMed 0.00002; ESP Exome Variant Server 0.00008.
gnomAD v4.1: 31 of 1,614,118 alleles (0.0019%); highest among the groups gnomAD compares: Non-Finnish European, 0.0025%; no homozygotes.

Submissions (2):

Labcorp Genetics (formerly Invitae), Labcorp
Classification: Uncertain significance for Spastic paraplegia. Last evaluated: 2022-04-01. Review status: criteria provided, single submitter. Criteria: Invitae Variant Classification Sherloc (09022015). Collection method: clinical testing. Allele origin: germline.
Comment: This sequence change replaces lysine, which is basic and polar, with glutamic acid, which is acidic and polar, at codon 588 of the SACS protein (p.Lys588Glu). This variant is present in population databases (rs376186273, gnomAD 0.0009%). This variant has not been reported in the literature in individuals affected with SACS-related conditions. ClinVar contains an entry for this variant (Variation ID: 883376). Advanced modeling of protein sequence and biophysical properties (such as structural, functional, and spatial information, amino acid conservation, physicochemical variation, residue mobility, and thermodynamic stability) performed at Invitae indicates that this missense variant is not expected to disrupt SACS protein function. In summary, the available evidence is currently insufficient to determine the role of this variant in disease. Therefore, it has been classified as a Variant of Uncertain Significance.

Illumina Laboratory Services, Illumina
Classification: Uncertain significance for Charlevoix-Saguenay spastic ataxia. Last evaluated: 2018-01-13. Review status: criteria provided, single submitter. Criteria: ICSL Variant Classification Criteria 13 December 2019. Collection method: clinical testing. Allele origin: germline.

NM_014363.6(SACS):c.1762A>G (p.Lys588Glu)

Gene: SACS (sacsin molecular chaperone; minus strand). Cytogenetic location: 13q12.12.
Variant type: single nucleotide variant.
Coding change: c.1762A>G on transcript NM_014363.6 (MANE Select); coding-DNA position 1762, A replaced by G.
Protein change: p.Lys588Glu; replaces lysine 588 with glutamic acid.
Molecular consequence: missense variant.
Genome position (GRCh38, 1-based): chr13:23,354,850, T>C on the plus strand (A>G on the coding strand, the complement: SACS is on the minus strand). VCF-style: chr13-23354850-T-C. GRCh37 (hg19) VCF-style: chr13-23928989-T-C.
Other names: c.1321A>G, p.Lys441Glu (NM_001278055.2); short protein forms K441E, K588E.
Identifiers: ClinVar variation 883376 (VCV000883376.5), dbSNP rs376186273, ClinGen allele CA6911854.